The following is an entry in ClinVar:

ClinVar aggregate classification (germline): Uncertain significance (1 of 4 stars; one submission).

Conditions:
Hereditary cancer-predisposing syndrome. Also called: Hereditary Cancer Syndrome; Hereditary neoplastic syndrome; Neoplastic Syndromes, Hereditary; Tumor predisposition. Identifiers: Orphanet 140162, MedGen C0027672, MeSH D009386, MONDO:0015356.

Submission:

Ambry Genetics
Classification: Uncertain significance for Hereditary cancer-predisposing syndrome. Last evaluated: 2025-09-02. Review status: criteria provided, single submitter. Criteria: Ambry Variant Classification Scheme 2023. Collection method: clinical testing. Allele origin: germline.
Comment: The p.T505N variant (also known as c.1514C>A), located in coding exon 7 of the ALK gene, results from a C to A substitution at nucleotide position 1514. The threonine at codon 505 is replaced by asparagine, an amino acid with similar properties. This amino acid position is conserved. In addition, this alteration is predicted to be tolerated by in silico analysis. Based on the available evidence, the clinical significance of this variant remains unclear.

NM_004304.5(ALK):c.1514C>A (p.Thr505Asn)

Gene: ALK (ALK receptor tyrosine kinase; minus strand). Cytogenetic location: 2p23.2.
Variant type: single nucleotide variant.
Coding change: c.1514C>A on transcript NM_004304.5 (MANE Select); coding-DNA position 1514, C replaced by A.
Protein change: p.Thr505Asn; replaces threonine 505 with asparagine.
Molecular consequence: missense variant.
Genome position (GRCh38, 1-based): chr2:29,320,783, G>T on the plus strand (C>A on the coding strand, the complement: ALK is on the minus strand). VCF-style: chr2-29320783-G-T. GRCh37 (hg19) VCF-style: chr2-29543649-G-T.
Other names: short protein forms T505N.
Identifiers: ClinVar variation 4271524 (VCV004271524.1).